The following is an entry in ClinVar:

ClinVar aggregate classification (germline): Uncertain significance. Review status: criteria provided, multiple submitters, no conflicts (2 of 4 stars). 8 submissions from 8 submitters: Uncertain significance (8). Last evaluated 2025-12-15.

Conditions:
Catecholaminergic polymorphic ventricular tachycardia 1. Also called: RYR2-Related Catecholaminergic Polymorphic Ventricular Tachycardia; VENTRICULAR TACHYCARDIA, CATECHOLAMINERGIC POLYMORPHIC, 1, WITH OR WITHOUT ATRIAL DYSFUNCTION AND/OR DILATED CARDIOMYOPATHY; VENTRICULAR TACHYCARDIA, STRESS-INDUCED POLYMORPHIC 1. Identifiers: Orphanet 3286, MedGen C1631597, MONDO:0011484, OMIM 604772.
Arrhythmogenic right ventricular dysplasia 2. Identifiers: MedGen C1832931.
Ventricular arrhythmias due to cardiac ryanodine receptor calcium release deficiency syndrome. Also called: Autosomal dominant cardiac arrhythmia (Kuhn). Identifiers: MedGen C5542154, MONDO:0020745, OMIM 115000.
Cardiovascular phenotype. Identifiers: MedGen CN230736.
Catecholaminergic polymorphic ventricular tachycardia (CVPT). Also called: Catecholamine-induced polymorphic ventricular tachycardia. Identifiers: Orphanet 3286, MedGen C5574922, MONDO:0017990.
Cardiomyopathy (CMYO). Also called: Cardiomyopathies. Identifiers: Orphanet 167848, MedGen C0878544, MONDO:0004994, HP:0001638. Inheritance: Various modes of inheritance.

Allele frequency attached by ClinVar (database versions not stated): gnomAD exomes 0.00001 and 0.00004; ExAC 0.00002; TOPMed 0.00002; gnomAD 0.00005; ESP Exome Variant Server 0.00008.
gnomAD v4.1: 57 of 1,613,386 alleles (0.0035%); highest among the groups gnomAD compares: African/African-American, 0.012%; no homozygotes.

Submissions (8):

Labcorp Genetics (formerly Invitae), Labcorp
Classification: Uncertain significance for Catecholaminergic polymorphic ventricular tachycardia 1. Last evaluated: 2025-12-15. Review status: criteria provided, single submitter. Criteria: Invitae Variant Classification Sherloc (09022015). Collection method: clinical testing. Allele origin: germline.
Comment: This sequence change replaces alanine, which is neutral and non-polar, with threonine, which is neutral and polar, at codon 3736 of the RYR2 protein (p.Ala3736Thr). This variant is present in population databases (rs375095599, gnomAD 0.004%). This variant has not been reported in the literature in individuals affected with RYR2-related conditions. ClinVar contains an entry for this variant (Variation ID: 284521). Invitae Evidence Modeling of protein sequence and biophysical properties (such as structural, functional, and spatial information, amino acid conservation, physicochemical variation, residue mobility, and thermodynamic stability) indicates that this missense variant is expected to disrupt RYR2 protein function with a positive predictive value of 95%. In summary, the available evidence is currently insufficient to determine the role of this variant in disease. Therefore, it has been classified as a Variant of Uncertain Significance.

Women's Health and Genetics/Laboratory Corporation of America, LabCorp
Classification: Uncertain significance. Last evaluated: 2025-06-30. Review status: criteria provided, single submitter. Criteria: LabCorp Variant Classification Summary - May 2015. Collection method: clinical testing. Allele origin: germline.
Comment: Variant summary: RYR2 c.11206G>A (p.Ala3736Thr) results in a non-conservative amino acid change in the encoded protein sequence. Algorithms developed to predict the effect of missense changes on protein structure and function all suggest that this variant is likely to be disruptive. The variant allele was found at a frequency of 1.2e-05 in 248592 control chromosomes. The available data on variant occurrences in the general population are insufficient to allow any conclusion about variant significance. To our knowledge, no occurrence of c.11206G>A in individuals affected with Catecholaminergic Polymorphic Ventricular Tachycardia and no experimental evidence demonstrating its impact on protein function have been reported. ClinVar contains an entry for this variant (Variation ID: 284521). Based on the evidence outlined above, the variant was classified as uncertain significance.

All of Us Research Program, National Institutes of Health
Classification: Uncertain significance for Catecholaminergic polymorphic ventricular tachycardia. Last evaluated: 2024-06-11. Review status: criteria provided, single submitter. Criteria: ACMG Guidelines, 2015. Collection method: clinical testing. Allele origin: germline. Inheritance: Autosomal dominant inheritance. Observed: 7 variant alleles, 7 heterozygotes.
Comment: This missense variant replaces alanine with threonine at codon 3736 of the RYR2 protein. Computational prediction is inconclusive regarding the impact of this variant on protein structure and function (internally defined REVEL score threshold 0.5 < inconclusive < 0.7, PMID: 27666373). To our knowledge, functional studies have not been reported for this variant. This variant has not been reported in individuals affected with cardiovascular disorders in the literature. This variant has been identified in 4/279980 chromosomes in the general population by the Genome Aggregation Database (gnomAD). The available evidence is insufficient to determine the role of this variant in disease conclusively. Therefore, this variant is classified as a Variant of Uncertain Significance.

This study involves interpretation of variants in research participants for the purpose of population health screening. Participant phenotype was not available at the time of variant classification. Additional details can be found in publication PMID: 35346344, PMCID: PMC8962531

Color Diagnostics, LLC DBA Color Health
Classification: Uncertain significance for Cardiomyopathy. Last evaluated: 2024-05-03. Review status: criteria provided, single submitter. Criteria: ACMG Guidelines, 2015. Collection method: clinical testing. Allele origin: germline.
Comment: This missense variant replaces alanine with threonine at codon 3736 of the RYR2 protein. Computational prediction is inconclusive regarding the impact of this variant on protein structure and function. To our knowledge, functional studies have not been reported for this variant. This variant has not been reported in individuals affected with cardiovascular disorders in the literature. This variant has been identified in 4/279980 chromosomes in the general population by the Genome Aggregation Database (gnomAD). The available evidence is insufficient to determine the role of this variant in disease conclusively. Therefore, this variant is classified as a Variant of Uncertain Significance.

Ambry Genetics
Classification: Uncertain significance for Cardiovascular phenotype. Last evaluated: 2023-07-19. Review status: criteria provided, single submitter. Criteria: Ambry Variant Classification Scheme 2023. Collection method: clinical testing. Allele origin: germline.
Comment: The p.A3736T variant (also known as c.11206G>A), located in coding exon 81 of the RYR2 gene, results from a G to A substitution at nucleotide position 11206. The alanine at codon 3736 is replaced by threonine, an amino acid with similar properties. This amino acid position is highly conserved in available vertebrate species. In addition, this alteration is predicted to be deleterious by in silico analysis. Since supporting evidence is limited at this time, the clinical significance of this alteration remains unclear.

Blueprint Genetics
Classification: Uncertain significance. Last evaluated: 2022-11-22. Review status: criteria provided, single submitter. Criteria: ACMG Guidelines, 2015. Collection method: clinical testing. Allele origin: germline.

Fulgent Genetics
Classification: Uncertain significance for Ventricular arrhythmias due to cardiac ryanodine receptor calcium release deficiency syndrome; Catecholaminergic polymorphic ventricular tachycardia 1. Last evaluated: 2021-10-25. Review status: criteria provided, single submitter. Criteria: ACMG Guidelines, 2015. Collection method: clinical testing. Allele origin: unknown.

Eurofins Ntd Llc (ga)
Classification: Uncertain significance. Last evaluated: 2015-11-16. Review status: criteria provided, single submitter. Criteria: EGL Classification Definitions 2015. Collection method: clinical testing. Allele origin: germline. Observed: 1 variant allele, 1 heterozygote.

NM_001035.3(RYR2):c.11206G>A (p.Ala3736Thr)

Gene: RYR2 (ryanodine receptor 2; plus strand). Cytogenetic location: 1q43.
Variant type: single nucleotide variant.
Coding change: c.11206G>A on transcript NM_001035.3 (MANE Select); coding-DNA position 11206, G replaced by A.
Protein change: p.Ala3736Thr; replaces alanine 3736 with threonine.
Molecular consequence: missense variant.
Genome position (GRCh38, 1-based): chr1:237,756,348, G>A. VCF-style: chr1-237756348-G-A. GRCh37 (hg19) VCF-style: chr1-237919648-G-A.
Other names: c.11206G>A, p.Ala3736Thr (LRG_402t1); short protein forms A3736T.
Identifiers: ClinVar variation 284521 (VCV000284521.28), dbSNP rs375095599, ClinGen allele CA084817.
Genomic context (GRCh38, chr1:237,756,348, plus strand): 5'-GAAAAAGAAATGGAAAAGCAAAAGCTTCTATACCAGCAAGCCCGACTCCACGATCGTGGC[G>A]CGGCTGAGATGGTGCTACAGACAATCAGTGCCAGCAAAGGTAAGGTTCCTTGAGTTCCCC-3'
Protein context (NP_001026.2, residues 3726-3746): YQQARLHDRG[Ala3736Thr]AEMVLQTISA